The following is an entry in ClinVar:

ClinVar aggregate classification (germline): Likely benign (1 of 4 stars; one submission).

Allele frequency attached by ClinVar (database versions not stated): ExAC 0.00001; ESP Exome Variant Server 0.00008.

Submission:

CeGaT Center for Human Genetics Tuebingen
Classification: Likely benign. Last evaluated: 2023-07-01. Review status: criteria provided, single submitter. Criteria: CeGaT Center For Human Genetics Tuebingen Variant Classification Criteria Version 2. Collection method: clinical testing. Allele origin: germline. Affected: yes. Observed: 1 variant allele.
Comment: TTN: BP4

NM_001267550.2(TTN):c.11311+2841T>C

Gene: TTN (titin; minus strand). Cytogenetic location: 2q31.2.
Variant type: single nucleotide variant.
Coding change: c.11311+2841T>C on transcript NM_001267550.2 (MANE Select); 2841 bases into the intron after coding-DNA position 11311, T replaced by C.
Molecular consequence: intron variant. On other transcripts: synonymous variant (1).
Genome position (GRCh38, 1-based): chr2:178,750,283, A>G on the plus strand (T>C on the coding strand, the complement: TTN is on the minus strand). VCF-style: chr2-178750283-A-G. GRCh37 (hg19) VCF-style: chr2-179615010-A-G.
Other names: c.12117T>C, p.His4039= (NM_133379.5); c.10222+2841T>C (NM_003319.4); c.10798+2841T>C (NM_133437.4); c.10597+2841T>C (NM_133432.3); c.10360+2841T>C (NM_133378.4, NM_001256850.1).
Identifiers: ClinVar variation 2578889 (VCV002578889.25), dbSNP rs374018769, ClinGen allele CA2003612.
Genomic context (GRCh38, chr2:178,750,283, plus strand): 5'-TAACTCTTCTTCCTCATCCAAGTAGTCATGGAACACTGGGACTTTATGTGCTTTGACATC[A>G]TGTTTTTGTTTTGCTTTCACTTTAAGCATACTGGTTGTTTTTACTGTTCCATATTGGTTA-3'